The following is an entry in ClinVar:

ClinVar aggregate classification (germline): Likely benign. Review status: criteria provided, multiple submitters, no conflicts (2 of 4 stars). 3 submissions from 3 submitters: Likely benign (3). Last evaluated 2025-10-30.

Conditions:
CHAMP1-related disorder. Also called: CHAMP1-related condition.
Inborn genetic diseases. Identifiers: MedGen C0950123, MeSH D030342.

Allele frequency attached by ClinVar (database versions not stated): TOPMed 0.00002; gnomAD 0.00004 and 0.00005; gnomAD exomes 0.00005 and 0.00011; 1000 Genomes Project 30x 0.00016; ExAC 0.00018; 1000 Genomes Project 0.00020.

Submissions (3):

PreventionGenetics, part of Exact Sciences
Classification: Likely benign for CHAMP1-related condition. Last evaluated: 2025-10-30. Review status: criteria provided, single submitter. Criteria: ACMG Guidelines, 2015. Collection method: clinical testing. Allele origin: germline.
Comment: This variant is classified as likely benign based on ACMG/AMP sequence variant interpretation guidelines (Richards et al. 2015 PMID: 25741868, with internal and published modifications).

Ambry Genetics
Classification: Likely benign for Inborn genetic diseases. Last evaluated: 2022-08-17. Review status: criteria provided, single submitter. Criteria: Ambry Variant Classification Scheme 2023. Collection method: clinical testing. Allele origin: germline.

Labcorp Genetics (formerly Invitae), Labcorp
Classification: Likely benign. Last evaluated: 2018-07-05. Review status: criteria provided, single submitter. Criteria: Invitae Variant Classification Sherloc (09022015). Collection method: clinical testing. Allele origin: germline.

NM_032436.4(CHAMP1):c.2017A>G (p.Met673Val)

Gene: CHAMP1 (chromosome alignment maintaining phosphoprotein 1; plus strand). Cytogenetic location: 13q34.
Variant type: single nucleotide variant.
Coding change: c.2017A>G on transcript NM_032436.4 (MANE Select); coding-DNA position 2017, A replaced by G.
Protein change: p.Met673Val; replaces methionine 673 with valine.
Molecular consequence: missense variant.
Genome position (GRCh38, 1-based): chr13:114,325,859, A>G. VCF-style: chr13-114325859-A-G. GRCh37 (hg19) VCF-style: chr13-115091334-A-G.
Other names: c.2017A>G (NM_001164145.2, NM_032436.2); c.2017A>G, p.Met673Val (NM_001164144.3, NM_001164145.3); short protein forms M673V.
Identifiers: ClinVar variation 756281 (VCV000756281.7), dbSNP rs533342855, ClinGen allele CA7070935.